The following is an entry in ClinVar:

NM_006662.3(SRCAP):c.5813C>G (p.Pro1938Arg)

Gene: SRCAP (Snf2 related CREBBP activator protein; plus strand). Cytogenetic location: 16p11.2.
Variant type: single nucleotide variant.
Coding change: c.5813C>G on transcript NM_006662.3 (MANE Select); coding-DNA position 5813, C replaced by G.
Protein change: p.Pro1938Arg; replaces proline 1938 with arginine.
Molecular consequence: missense variant.
Genome position (GRCh38, 1-based): chr16:30,729,120, C>G. VCF-style: chr16-30729120-C-G. GRCh37 (hg19) VCF-style: chr16-30740441-C-G.
Other names: short protein forms P1938R.
Identifiers: ClinVar variation 1030128 (VCV001030128.2), dbSNP rs2053089774, ClinGen allele CA395621385.
Genomic context (GRCh38, chr16:30,729,120, plus strand): 5'-ATGGGACTGAAGTCCTGGATTTCTGTACCCTGCCCCAACCTGTTGCCAGCCCCATCGGCC[C>G]TCGTTCTCCTGGCCCCAGCCACCCCACCTTTTGGACTTATACCGAGGCTGCCCACCGGGC-3'
Protein context (NP_006653.2, residues 1928-1948): LPQPVASPIG[Pro1938Arg]RSPGPSHPTF

ClinVar aggregate classification (germline): Uncertain significance. Review status: criteria provided, multiple submitters, no conflicts (2 of 4 stars). 2 submissions from 2 submitters: Uncertain significance (2). Last evaluated 2025-05-30.

Conditions:
Floating-Harbor syndrome (FLHS). Also called: Short stature with delayed bone age, expressive language delay, a triangular face with a prominent nose and deep-set eyes; Pelletier-Leisti syndrome; SRCAP-Related Floating-Harbor Syndrome. Identifiers: Orphanet 2044, MedGen C0729582, MONDO:0007621, OMIM 136140.

Submissions (2):

GeneDx
Classification: Uncertain significance. Last evaluated: 2025-05-30. Review status: criteria provided, single submitter. Criteria: GeneDx Variant Classification Process June 2021. Collection method: clinical testing. Allele origin: germline. Affected: yes.
Comment: Not observed at significant frequency in large population cohorts (gnomAD); In silico analysis supports that this missense variant has a deleterious effect on protein structure/function; Has not been previously published as pathogenic or benign to our knowledge

Baylor Genetics
Classification: Uncertain significance for Floating-Harbor syndrome. Last evaluated: 2019-07-31. Review status: criteria provided, single submitter. Criteria: ACMG Guidelines, 2015. Collection method: clinical testing. Allele origin: paternal. Affected: yes.
Comment: This variant was determined to be of uncertain significance according to ACMG Guidelines, 2015 [PMID:25741868].